The following is an entry in ClinVar:

NM_003872.3(NRP2):c.2633G>T (p.Cys878Phe)

Gene: NRP2 (neuropilin 2; plus strand). Cytogenetic location: 2q33.3.
Variant type: single nucleotide variant.
Coding change: c.2633G>T on transcript NM_003872.3 (MANE Select); coding-DNA position 2633, G replaced by T.
Protein change: p.Cys878Phe; replaces cysteine 878 with phenylalanine.
Molecular consequence: missense variant.
Genome position (GRCh38, 1-based): chr2:205,794,910, G>T. VCF-style: chr2-205794910-G-T. GRCh37 (hg19) VCF-style: chr2-206659634-G-T.
Other names: c.2648G>T, p.Cys883Phe (NM_201266.2); c.2582G>T, p.Cys861Phe (NM_201279.2); short protein forms C861F, C878F, C883F.
Identifiers: ClinVar variation 3345310 (VCV003345310.1).

ClinVar aggregate classification (germline): Uncertain significance (0 of 4 stars; one submission).

Conditions:
NRP2-related disorder. Also called: NRP2-related condition.

gnomAD v4.1: 2 of 1,614,032 alleles (0.00012%); highest among the groups gnomAD compares: Non-Finnish European, 0.00017%; no homozygotes.

Submission:

PreventionGenetics, part of Exact Sciences
Classification: Uncertain significance for NRP2-related condition. Last evaluated: 2024-09-19. Review status: no assertion criteria provided. Collection method: clinical testing. Allele origin: germline.
Comment: The NRP2 c.2648G>T variant is predicted to result in the amino acid substitution p.Cys883Phe. To our knowledge, this variant has not been reported in the literature or in a large population database, indicating this variant is rare. At this time, the clinical significance of this variant is uncertain due to the absence of conclusive functional and genetic evidence.